The following is an entry in ClinVar:

NM_002334.4(LRP4):c.5673G>A (p.Thr1891=)

Genes: LRP4 (LDL receptor related protein 4; minus strand), LRP4-AS1 (LRP4 antisense RNA 1; plus strand). Cytogenetic location: 11p11.2.
Variant type: single nucleotide variant.
Coding change: c.5673G>A on transcript NM_002334.4 (MANE Select); coding-DNA position 5673, G replaced by A.
Protein change: p.Thr1891=; no amino-acid change (threonine 1891 retained).
Molecular consequence: synonymous variant.
Genome position (GRCh38, 1-based): chr11:46,859,028, C>T on the plus strand (G>A on the coding strand, the complement: LRP4 is on the minus strand). VCF-style: chr11-46859028-C-T. GRCh37 (hg19) VCF-style: chr11-46880579-C-T.
Identifiers: ClinVar variation 3029287 (VCV003029287.2), dbSNP rs751359851, ClinGen allele CA5968964.

ClinVar aggregate classification (germline): Likely benign (0 of 4 stars; one submission).

Conditions:
LRP4-related disorder. Also called: LRP4-related condition.

Allele frequency attached by ClinVar (database versions not stated): gnomAD exomes 0.00001; TOPMed 0.00001; ExAC 0.00002.
gnomAD v4.1: 16 of 1,614,128 alleles (0.00099%); highest among the groups gnomAD compares: Admixed American, 0.0017%; no homozygotes.

Submission:

PreventionGenetics, part of Exact Sciences
Classification: Likely benign for LRP4-related condition. Last evaluated: 2021-10-25. Review status: no assertion criteria provided. Collection method: clinical testing. Allele origin: germline.
Comment: This variant is classified as likely benign based on ACMG/AMP sequence variant interpretation guidelines (Richards et al. 2015 PMID: 25741868, with internal and published modifications).